The following is an entry in ClinVar:

ClinVar aggregate classification (germline): Likely benign. Review status: criteria provided, multiple submitters, no conflicts (2 of 4 stars). 3 submissions from 3 submitters: Likely benign (3). Last evaluated 2026-01-01.

Conditions:
Inborn genetic diseases. Identifiers: MedGen C0950123, MeSH D030342.

Allele frequency attached by ClinVar (database versions not stated): gnomAD exomes 0.00001.
gnomAD v4.1: 8 of 1,613,104 alleles (0.0005%); highest among the groups gnomAD compares: Admixed American, 0.0017%; no homozygotes.

Submissions (3):

CeGaT Center for Human Genetics Tuebingen
Classification: Likely benign. Last evaluated: 2026-01-01. Review status: criteria provided, single submitter. Criteria: CeGaT Center For Human Genetics Tuebingen Variant Classification Criteria Version 2. Collection method: clinical testing. Allele origin: germline. Affected: yes. Observed: 1 variant allele.
Comment: ATL1: BP4, BP7

GeneDx
Classification: Likely benign. Last evaluated: 2021-04-13. Review status: criteria provided, single submitter. Criteria: GeneDx Variant Classification Process June 2021. Collection method: clinical testing. Allele origin: germline. Affected: yes.

Ambry Genetics
Classification: Likely benign for Inborn genetic diseases. Last evaluated: 2019-07-11. Review status: criteria provided, single submitter. Criteria: Ambry Variant Classification Scheme 2023. Collection method: clinical testing. Allele origin: germline.

NM_015915.5(ATL1):c.687C>T (p.Ala229=)

Gene: ATL1 (atlastin GTPase 1; plus strand). Cytogenetic location: 14q22.1.
Variant type: single nucleotide variant.
Coding change: c.687C>T on transcript NM_015915.5 (MANE Select); coding-DNA position 687, C replaced by T.
Protein change: p.Ala229=; no amino-acid change (alanine 229 retained).
Molecular consequence: synonymous variant.
Genome position (GRCh38, 1-based): chr14:50,613,315, C>T. VCF-style: chr14-50613315-C-T. GRCh37 (hg19) VCF-style: chr14-51080033-C-T.
Other names: c.687C>T, p.Ala229= (NM_001127713.1, NM_181598.4).
Identifiers: ClinVar variation 377501 (VCV000377501.10), dbSNP rs921388034, ClinGen allele CA16606989.
Genomic context (GRCh38, chr14:50,613,315, plus strand): 5'-TTAGAGTCTGATATTTCTTGTTCGAGACTGGAGTTTCCCATACGAATTTTCATATGGAGC[C>T]GATGGTGGTGCCAAATTCTTGGAAAAACGCCTCAAGGTTTGTTAGATATTTAGGTGCATG-3'
Protein context (NP_056999.2, residues 219-239): WSFPYEFSYG[Ala229=]DGGAKFLEKR